The following is an entry in ClinVar:

ClinVar aggregate classification (germline): Uncertain significance (1 of 4 stars; one submission).

Conditions:
Inborn genetic diseases. Identifiers: MedGen C0950123, MeSH D030342.

gnomAD v4.1: 1 of 1,610,660 alleles (0.000062%); highest among the groups gnomAD compares: Non-Finnish European, 0.000085%; no homozygotes.

Submission:

Ambry Genetics
Classification: Uncertain significance for Inborn genetic diseases. Last evaluated: 2025-07-10. Review status: criteria provided, single submitter. Criteria: Ambry Variant Classification Scheme 2023. Collection method: clinical testing. Allele origin: germline.
Comment: The c.368-3C>T intronic alteration consists of a C to T substitution 3 nucleotides before coding exon 5 in the CSNK2B gene. Based on insufficient or conflicting evidence, the clinical significance of this alteration remains unclear.

NM_001320.7(CSNK2B):c.368-3C>T

Gene: CSNK2B (casein kinase 2 beta; plus strand). Cytogenetic location: 6p21.33.
Variant type: single nucleotide variant.
Coding change: c.368-3C>T on transcript NM_001320.7 (MANE Select); 3 bases into the intron before coding-DNA position 368, C replaced by T.
Molecular consequence: intron variant.
Genome position (GRCh38, 1-based): chr6:31,669,316, C>T. VCF-style: chr6-31669316-C-T. GRCh37 (hg19) VCF-style: chr6-31637093-C-T.
Other names: c.368-12C>T (NM_001282385.2).
Identifiers: ClinVar variation 4235187 (VCV004235187.1).
Genomic context (GRCh38, chr6:31,669,316, plus strand): 5'-CCTGAGGGGAGGTTAGGTAGGAATAGGGGGATACCTGGCCTGCTGAGTCTGGCTGTCTCC[C>T]AGGCCTTTCAGACATCCCAGGTGAAGCCATGGTGAAGCTCTACTGCCCCAAGTGCATGGA-3'